The following is an entry in ClinVar:

ClinVar aggregate classification (germline): Uncertain significance (1 of 4 stars; one submission).

Conditions:
Primary ciliary dyskinesia 27. Also called: CILIARY DYSKINESIA, PRIMARY, 27, WITHOUT SITUS INVERSUS. Identifiers: Orphanet 244, MedGen C3809701, MONDO:0014215, OMIM 615504.

gnomAD v4.1: 3 of 1,613,544 alleles (0.00019%); highest among the groups gnomAD compares: Non-Finnish European, 0.00025%; no homozygotes.

Submission:

Labcorp Genetics (formerly Invitae), Labcorp
Classification: Uncertain significance for Primary ciliary dyskinesia 27. Last evaluated: 2025-10-23. Review status: criteria provided, single submitter. Criteria: Invitae Variant Classification Sherloc (09022015). Collection method: clinical testing. Allele origin: germline.
Comment: This sequence change replaces alanine, which is neutral and non-polar, with valine, which is neutral and non-polar, at codon 8 of the CCDC65 protein (p.Ala8Val). This variant is not present in population databases (gnomAD no frequency). This variant has not been reported in the literature in individuals affected with CCDC65-related conditions. An algorithm developed to predict the effect of missense changes on protein structure and function (PolyPhen-2) suggests that this variant is likely to be tolerated. In summary, the available evidence is currently insufficient to determine the role of this variant in disease. Therefore, it has been classified as a Variant of Uncertain Significance.

NM_033124.5(DRC2):c.23C>T (p.Ala8Val)

Gene: DRC2 (dynein regulatory complex subunit 2; plus strand). Cytogenetic location: 12q13.12.
Variant type: single nucleotide variant.
Coding change: c.23C>T on transcript NM_033124.5 (MANE Select); coding-DNA position 23, C replaced by T.
Protein change: p.Ala8Val; replaces alanine 8 with valine.
Molecular consequence: missense variant. On other transcripts: 5 prime UTR variant (1).
Genome position (GRCh38, 1-based): chr12:48,904,359, C>T. VCF-style: chr12-48904359-C-T. GRCh37 (hg19) VCF-style: chr12-49298142-C-T.
Other names: c.-367C>T (NM_001286957.2); short protein forms A8V.
Identifiers: ClinVar variation 4791090 (VCV004791090.1).